The following is an entry in ClinVar:

NM_004818.3(DDX23):c.2284G>A (p.Gly762Arg)

Gene: DDX23 (DEAD-box helicase 23; minus strand). Cytogenetic location: 12q13.12.
Variant type: single nucleotide variant.
Coding change: c.2284G>A on transcript NM_004818.3 (MANE Select); coding-DNA position 2284, G replaced by A.
Protein change: p.Gly762Arg; replaces glycine 762 with arginine.
Molecular consequence: missense variant.
Genome position (GRCh38, 1-based): chr12:48,830,648, C>T on the plus strand (G>A on the coding strand, the complement: DDX23 is on the minus strand). VCF-style: chr12-48830648-C-T. GRCh37 (hg19) VCF-style: chr12-49224431-C-T.
Other names: short protein forms G762R.
Identifiers: ClinVar variation 3239574 (VCV003239574.19), dbSNP rs2498746574.

ClinVar aggregate classification (germline): Uncertain significance (1 of 4 stars; one submission).

Submission:

CeGaT Center for Human Genetics Tuebingen
Classification: Uncertain significance. Last evaluated: 2025-02-01. Review status: criteria provided, single submitter. Criteria: CeGaT Center For Human Genetics Tuebingen Variant Classification Criteria Version 2. Collection method: clinical testing. Allele origin: germline. Affected: yes. Observed: 1 variant allele.
Comment: DDX23: PM2, PP2, PS2:Supporting